The following is an entry in ClinVar:

ClinVar aggregate classification (germline): Uncertain significance. Review status: criteria provided, multiple submitters, no conflicts (2 of 4 stars). 2 submissions from 2 submitters: Uncertain significance (2). Last evaluated 2025-11-20.

Conditions:
Inborn genetic diseases. Identifiers: MedGen C0950123, MeSH D030342.

Allele frequency attached by ClinVar (database versions not stated): gnomAD exomes below 0.00001.
gnomAD v4.1: 6 of 1,613,984 alleles (0.00037%); highest among the groups gnomAD compares: Non-Finnish European, 0.00051%; no homozygotes.

Submissions (2):

Ambry Genetics
Classification: Uncertain significance for Inborn genetic diseases. Last evaluated: 2025-11-20. Review status: criteria provided, single submitter. Criteria: Ambry Variant Classification Scheme 2023. Collection method: clinical testing. Allele origin: germline.

Labcorp Genetics (formerly Invitae), Labcorp
Classification: Uncertain significance. Last evaluated: 2025-08-12. Review status: criteria provided, single submitter. Criteria: Invitae Variant Classification Sherloc (09022015). Collection method: clinical testing. Allele origin: germline.
Comment: This sequence change replaces glycine, which is neutral and non-polar, with arginine, which is basic and polar, at codon 1769 of the MPDZ protein (p.Gly1769Arg). This variant is not present in population databases (gnomAD no frequency). This variant has not been reported in the literature in individuals affected with MPDZ-related conditions. ClinVar contains an entry for this variant (Variation ID: 1003847). An algorithm developed to predict the effect of missense changes on protein structure and function (PolyPhen-2) suggests that this variant is likely to be disruptive. In summary, the available evidence is currently insufficient to determine the role of this variant in disease. Therefore, it has been classified as a Variant of Uncertain Significance.

NM_001378778.1(MPDZ):c.5305G>A (p.Gly1769Arg)

Gene: MPDZ (multiple PDZ domain crumbs cell polarity complex component; minus strand). Cytogenetic location: 9p23.
Variant type: single nucleotide variant.
Coding change: c.5305G>A on transcript NM_001378778.1 (MANE Select); coding-DNA position 5305, G replaced by A.
Protein change: p.Gly1769Arg; replaces glycine 1769 with arginine.
Molecular consequence: missense variant.
Genome position (GRCh38, 1-based): chr9:13,119,576, C>T on the plus strand (G>A on the coding strand, the complement: MPDZ is on the minus strand). VCF-style: chr9-13119576-C-T. GRCh37 (hg19) VCF-style: chr9-13119575-C-T.
Other names: c.5206G>A, p.Gly1736Arg (NM_001261406.2, NM_001261407.2, NM_001375416.1 and 3 more transcripts); c.5305G>A, p.Gly1769Arg (NM_001330637.2, NM_003829.5); c.5404G>A, p.Gly1802Arg (NM_001375413.1); c.5095G>A, p.Gly1699Arg (NM_001375420.1, NM_001375421.1, NM_001375422.1 and 4 more transcripts); c.4897G>A, p.Gly1633Arg (NM_001375427.1); c.5305G>A (NM_003829.3); short protein forms G1633R, G1699R, G1736R, G1769R, G1802R.
Identifiers: ClinVar variation 1003847 (VCV001003847.8), dbSNP rs772351764, ClinGen allele CA189277424.